The following is an entry in ClinVar:

NM_003108.4(SOX11):c.675CGA[7] (p.Asp232_Asp233del)

Gene: SOX11 (SRY-box transcription factor 11; plus strand). Cytogenetic location: 2p25.2.
Variant type: Microsatellite.
Coding change: c.675CGA[7] on transcript NM_003108.4 (MANE Select); seven copies in a row of the 3-base unit CGA starting at c.675; the reference has nine copies in a row; two copies, 6 bases deleted.
Protein change: p.Asp232_Asp233del.
Molecular consequence: inframe deletion.
Genome position (GRCh38, 1-based): chr2:5,693,417-5,693,422, CGACGA deleted; deleting any 6 consecutive bases within chr2:5,693,394-5,693,422 gives the same sequence; the position shown is the placement nearest the transcript's 3' end. VCF-style (leftmost placement, unchanged base first): chr2-5693393-GGACGAC-G. GRCh37 (hg19) VCF-style: chr2-5833525-GGACGAC-G.
Identifiers: ClinVar variation 2743313 (VCV002743313.3), dbSNP rs746846042, ClinGen allele CA1517884.

ClinVar aggregate classification (germline): Uncertain significance (1 of 4 stars; one submission).

Submission:

Labcorp Genetics (formerly Invitae), Labcorp
Classification: Uncertain significance. Last evaluated: 2025-08-28. Review status: criteria provided, single submitter. Criteria: Invitae Variant Classification Sherloc (09022015). Collection method: clinical testing. Allele origin: germline.
Comment: This variant, c.696_701del, results in the deletion of 2 amino acid(s) of the SOX11 protein (p.Asp232_Asp233del), but otherwise preserves the integrity of the reading frame. The frequency data for this variant in the population databases is considered unreliable, as metrics indicate poor data quality at this position in the gnomAD database. This variant has not been reported in the literature in individuals affected with SOX11-related conditions. Experimental studies and prediction algorithms are not available or were not evaluated, and the functional significance of this variant is currently unknown. In summary, the available evidence is currently insufficient to determine the role of this variant in disease. Therefore, it has been classified as a Variant of Uncertain Significance.